The following is an entry in ClinVar:

NM_032043.3(BRIP1):c.549G>C (p.Leu183Phe)

Gene: BRIP1 (BRCA1 interacting DNA helicase 1; minus strand). Cytogenetic location: 17q23.2.
Variant type: single nucleotide variant.
Coding change: c.549G>C on transcript NM_032043.3 (MANE Select); coding-DNA position 549, G replaced by C.
Protein change: p.Leu183Phe; replaces leucine 183 with phenylalanine.
Molecular consequence: missense variant.
Genome position (GRCh38, 1-based): chr17:61,847,179, C>G on the plus strand (G>C on the coding strand, the complement: BRIP1 is on the minus strand). VCF-style: chr17-61847179-C-G. GRCh37 (hg19) VCF-style: chr17-59924540-C-G.
Other names: short protein forms L183F.
Identifiers: ClinVar variation 1002937 (VCV001002937.9), dbSNP rs1060504335, ClinGen allele CA400483174.

ClinVar aggregate classification (germline): Uncertain significance (1 of 4 stars; one submission).

Conditions:
Familial cancer of breast. Also called: hereditary breast carcinoma; BREAST CANCER, FAMILIAL; Hereditary breast cancer. Identifiers: Orphanet 227535, MedGen C0346153, MONDO:0016419, OMIM 114480. Disease mechanism: loss of function.
Fanconi anemia complementation group J. Also called: BRIP1-Related Fanconi Anemia. Identifiers: Orphanet 84, MedGen C1836860, MONDO:0012187, OMIM 609054.

Allele frequency attached by ClinVar (database versions not stated): gnomAD exomes 0.00001.
gnomAD v4.1: 3 of 1,613,570 alleles (0.00019%); highest among the groups gnomAD compares: South Asian, 0.0033%; no homozygotes.

Submission:

Labcorp Genetics (formerly Invitae), Labcorp
Classification: Uncertain significance for Familial cancer of breast; Fanconi anemia complementation group J. Last evaluated: 2023-08-17. Review status: criteria provided, single submitter. Criteria: Invitae Variant Classification Sherloc (09022015). Collection method: clinical testing. Allele origin: germline.
Comment: This sequence change replaces leucine, which is neutral and non-polar, with phenylalanine, which is neutral and non-polar, at codon 183 of the BRIP1 protein (p.Leu183Phe). This variant is not present in population databases (gnomAD no frequency). This variant has not been reported in the literature in individuals affected with BRIP1-related conditions. ClinVar contains an entry for this variant (Variation ID: 1002937). Advanced modeling of protein sequence and biophysical properties (such as structural, functional, and spatial information, amino acid conservation, physicochemical variation, residue mobility, and thermodynamic stability) performed at Invitae indicates that this missense variant is not expected to disrupt BRIP1 protein function. In summary, the available evidence is currently insufficient to determine the role of this variant in disease. Therefore, it has been classified as a Variant of Uncertain Significance.